The following is an entry in ClinVar:

NM_014159.7(SETD2):c.5900G>C (p.Gly1967Ala)

Gene: SETD2 (SET domain containing 2, histone lysine methyltransferase; minus strand). Cytogenetic location: 3p21.31.
Variant type: single nucleotide variant.
Coding change: c.5900G>C on transcript NM_014159.7 (MANE Select); coding-DNA position 5900, G replaced by C.
Protein change: p.Gly1967Ala; replaces glycine 1967 with alanine.
Molecular consequence: missense variant. On other transcripts: non-coding transcript variant (1).
Genome position (GRCh38, 1-based): chr3:47,083,880, C>G on the plus strand (G>C on the coding strand, the complement: SETD2 is on the minus strand). VCF-style: chr3-47083880-C-G. GRCh37 (hg19) VCF-style: chr3-47125370-C-G.
Other names: c.5768G>C, p.Gly1923Ala (NM_001349370.3); short protein forms G1967A, G1923A.
Identifiers: ClinVar variation 567605 (VCV000567605.7), dbSNP rs143991928, ClinGen allele CA73812731.
Genomic context (GRCh38, chr3:47,083,880, plus strand): 5'-ACACCCTCCTCTTCATCTTGGGATGGTGTTTCTTCATTAATAGGTTCTTCTAGTTTTGTG[C>G]CGTTGCTCTCTTTGGGCTCTATTTCAGCGTCAGCTTCTGGTTCAGATGTAGGTAGCTTAC-3'
Protein context (NP_054878.5, residues 1957-1977): DAEIEPKESN[Gly1967Ala]TKLEEPINEE

ClinVar aggregate classification (germline): Uncertain significance (1 of 4 stars; one submission).

Conditions:
Luscan-Lumish syndrome. Identifiers: Orphanet 597738, MedGen C4085873, MONDO:0014791, OMIM 616831.

Submission:

Labcorp Genetics (formerly Invitae), Labcorp
Classification: Uncertain significance for Luscan-Lumish syndrome. Last evaluated: 2020-01-28. Review status: criteria provided, single submitter. Criteria: Invitae Variant Classification Sherloc (09022015). Collection method: clinical testing. Allele origin: germline.
Comment: This variant has not been reported in the literature in individuals with SETD2-related disease. This variant is not present in population databases (ExAC no frequency). This sequence change replaces glycine with alanine at codon 1967 of the SETD2 protein (p.Gly1967Ala). The glycine residue is moderately conserved and there is a small physicochemical difference between glycine and alanine. Algorithms developed to predict the effect of missense changes on protein structure and function (SIFT, PolyPhen-2, Align-GVGD) all suggest that this variant is likely to be tolerated, but these predictions have not been confirmed by published functional studies and their clinical significance is uncertain. In summary, the available evidence is currently insufficient to determine the role of this variant in disease. Therefore, it has been classified as a Variant of Uncertain Significance.